The following is an entry in ClinVar:

NM_000393.5(COL5A2):c.*1669G>A

Gene: COL5A2 (collagen type V alpha 2 chain; minus strand). Cytogenetic location: 2q32.2.
Variant type: single nucleotide variant.
Coding change: c.*1669G>A on transcript NM_000393.5 (MANE Select); 1669 bases downstream of the stop codon, G replaced by A.
Molecular consequence: 3 prime UTR variant.
Genome position (GRCh38, 1-based): chr2:189,032,401, C>T on the plus strand (G>A on the coding strand, the complement: COL5A2 is on the minus strand). VCF-style: chr2-189032401-C-T. GRCh37 (hg19) VCF-style: chr2-189897127-C-T.
Identifiers: ClinVar variation 333102 (VCV000333102.7), dbSNP rs76151083, ClinGen allele CA10613487.

ClinVar aggregate classification (germline): Benign/Likely benign. Review status: criteria provided, multiple submitters, no conflicts (2 of 4 stars). 2 submissions from 2 submitters: Benign (1); Likely benign (1). Last evaluated 2021-05-11.

Conditions:
Ehlers-Danlos syndrome, classic type, 2 (EDSCL2). Also called: Ehlers-Danlos syndrome, type 2; Ehlers-Danlos syndrome type 2 (formerly); Ehlers-Danlos Syndrome, Classic Type, COL5A2-Related. Identifiers: Orphanet 287, Orphanet 90318, MedGen C0268336, MONDO:0019568, OMIM 130010.

Allele frequency attached by ClinVar (database versions not stated): TOPMed 0.01435; 1000 Genomes Project 30x 0.01280; 1000 Genomes Project 0.01198; gnomAD 0.01276 and 0.01378.

Submissions (2):

GeneDx
Classification: Likely benign. Last evaluated: 2021-05-11. Review status: criteria provided, single submitter. Criteria: GeneDx Variant Classification Process June 2021. Collection method: clinical testing. Allele origin: germline. Affected: yes.

Illumina Laboratory Services, Illumina
Classification: Benign for Ehlers-Danlos syndrome, classic type, 2. Last evaluated: 2018-01-13. Review status: criteria provided, single submitter. Criteria: ICSL Variant Classification Criteria 13 December 2019. Collection method: clinical testing. Allele origin: germline.
Comment: This variant was observed in the ICSL laboratory as part of a predisposition screen in an ostensibly healthy population. It had not been previously curated by ICSL or reported in the Human Gene Mutation Database (HGMD: prior to June 1st, 2018), and was therefore a candidate for classification through an automated scoring system. Utilizing variant allele frequency, disease prevalence and penetrance estimates, and inheritance mode, an automated score was calculated to assess if this variant is too frequent to cause the disease. Based on the score and internal cut-off values, a variant classified as benign is not then subjected to further curation. The score for this variant resulted in a classification of benign for this disease.